The following is an entry in ClinVar:

NM_001127222.2(CACNA1A):c.1940C>T (p.Pro647Leu)

Gene: CACNA1A (calcium voltage-gated channel subunit alpha1 A; minus strand). Cytogenetic location: 19p13.13.
Variant type: single nucleotide variant.
Coding change: c.1940C>T on transcript NM_001127222.2 (MANE Select); coding-DNA position 1940, C replaced by T.
Protein change: p.Pro647Leu; replaces proline 647 with leucine.
Molecular consequence: missense variant.
Genome position (GRCh38, 1-based): chr19:13,307,828, G>A on the plus strand (C>T on the coding strand, the complement: CACNA1A is on the minus strand). VCF-style: chr19-13307828-G-A. GRCh37 (hg19) VCF-style: chr19-13418642-G-A.
Other names: c.1943C>T, p.Pro648Leu (NM_000068.4, NM_001127221.2, NM_001174080.2 and 1 more transcripts); short protein forms P647L, P648L.
Identifiers: ClinVar variation 970923 (VCV000970923.10), dbSNP rs2057937902, ClinGen allele CA404344634.
Genomic context (GRCh38, chr19:13,307,828, plus strand): 5'-GGTGGAGGCTGTACCTGAAACACCGTCATTATTGCTGCTGGAAAAGTATCGAAGTTGGTG[G>A]GAGGAGTCCCTTCATCGAAATTAAACCTGCAGGGAGGACACAGACATTTCACGTTGGCCC-3'
Protein context (NP_001120694.1, residues 637-657): GQFNFDEGTP[Pro647Leu]TNFDTFPAAI

ClinVar aggregate classification (germline): Uncertain significance (1 of 4 stars; one submission).

Conditions:
Developmental and epileptic encephalopathy, 42 (DEE42A). Also called: Epileptic encephalopathy, early infantile, 42; DEVELOPMENTAL AND EPILEPTIC ENCEPHALOPATHY 42A; EPILEPTIC ENCEPHALOPATHY, EARLY INFANTILE, 42A. Identifiers: MedGen C4310716, MONDO:0014917, OMIM 617106.
Episodic ataxia type 2 (EA2). Also called: CEREBELLAR ATAXIA, PAROXYSMAL, ACETAZOLAMIDE-RESPONSIVE; CEREBELLOPATHY, HEREDITARY PAROXYSMAL; EPISODIC ATAXIA, NYSTAGMUS-ASSOCIATED; ACETAZOLAMIDE-RESPONSIVE HEREDITARY PAROXYSMAL CEREBELLAR ATAXIA; ATAXIA, EPISODIC, WITH NYSTAGMUS; ATAXIA, FAMILIAL PAROXYSMAL. Identifiers: Orphanet 97, MedGen C1720416, MONDO:0007163, OMIM 108500.

Allele frequency attached by ClinVar (database versions not stated): gnomAD exomes below 0.00001.
gnomAD v4.1: 1 of 1,613,966 alleles (0.000062%); highest among the groups gnomAD compares: South Asian, 0.0011%; no homozygotes.

Submission:

Labcorp Genetics (formerly Invitae), Labcorp
Classification: Uncertain significance for Developmental and epileptic encephalopathy, 42; Episodic ataxia type 2. Last evaluated: 2023-10-13. Review status: criteria provided, single submitter. Criteria: Invitae Variant Classification Sherloc (09022015). Collection method: clinical testing. Allele origin: germline.
Comment: This sequence change replaces proline, which is neutral and non-polar, with leucine, which is neutral and non-polar, at codon 648 of the CACNA1A protein (p.Pro648Leu). This variant is not present in population databases (gnomAD no frequency). This variant has not been reported in the literature in individuals affected with CACNA1A-related conditions. ClinVar contains an entry for this variant (Variation ID: 970923). Advanced modeling of protein sequence and biophysical properties (such as structural, functional, and spatial information, amino acid conservation, physicochemical variation, residue mobility, and thermodynamic stability) performed at Invitae indicates that this missense variant is expected to disrupt CACNA1A protein function. In summary, the available evidence is currently insufficient to determine the role of this variant in disease. Therefore, it has been classified as a Variant of Uncertain Significance.